The following is an entry in ClinVar:

NM_000122.2(ERCC3):c.1954G>A (p.Ala652Thr)

Gene: ERCC3 (ERCC excision repair 3, TFIIH core complex helicase subunit; minus strand). Cytogenetic location: 2q14.3.
Variant type: single nucleotide variant.
Coding change: c.1954G>A on transcript NM_000122.2 (MANE Select); coding-DNA position 1954, G replaced by A.
Protein change: p.Ala652Thr; replaces alanine 652 with threonine.
Molecular consequence: missense variant.
Genome position (GRCh38, 1-based): chr2:127,261,338, C>T on the plus strand (G>A on the coding strand, the complement: ERCC3 is on the minus strand). VCF-style: chr2-127261338-C-T. GRCh37 (hg19) VCF-style: chr2-128018914-C-T.
Other names: c.1762G>A, p.Ala588Thr (NM_001303416.2, NM_001303418.2); short protein forms A588T, A652T.
Identifiers: ClinVar variation 2067280 (VCV002067280.4), dbSNP rs201793642, ClinGen allele CA348386381.

ClinVar aggregate classification (germline): Uncertain significance (1 of 4 stars; one submission).

Submission:

Labcorp Genetics (formerly Invitae), Labcorp
Classification: Uncertain significance. Last evaluated: 2023-11-27. Review status: criteria provided, single submitter. Criteria: Invitae Variant Classification Sherloc (09022015). Collection method: clinical testing. Allele origin: germline.
Comment: This sequence change replaces alanine, which is neutral and non-polar, with threonine, which is neutral and polar, at codon 652 of the ERCC3 protein (p.Ala652Thr). This variant is not present in population databases (gnomAD no frequency). This variant has not been reported in the literature in individuals affected with ERCC3-related conditions. ClinVar contains an entry for this variant (Variation ID: 2067280). Advanced modeling of protein sequence and biophysical properties (such as structural, functional, and spatial information, amino acid conservation, physicochemical variation, residue mobility, and thermodynamic stability) performed at Invitae indicates that this missense variant is not expected to disrupt ERCC3 protein function with a negative predictive value of 80%. In summary, the available evidence is currently insufficient to determine the role of this variant in disease. Therefore, it has been classified as a Variant of Uncertain Significance.